The following is an entry in ClinVar:

ClinVar aggregate classification (germline): Conflicting classifications of pathogenicity. Review status: criteria provided, conflicting classifications (1 of 4 stars). 7 submissions from 4 submitters: Uncertain significance (3); Benign (1); Likely benign (3). Last evaluated 2026-05-29.

Conditions:
Trigonocephaly 1 (TRIGNO1). Identifiers: Orphanet 3366, MedGen C0432122, MONDO:0008603, OMIM 190440.
Hypogonadotropic hypogonadism 2 with or without anosmia (HH2). Also called: FGFR1-Related GnRH Deficiency (Kallmann Syndrome 2); HYPOGONADOTROPIC HYPOGONADISM 2 WITHOUT ANOSMIA; HYPOGONADOTROPIC HYPOGONADISM 2 WITH OR WITHOUT ANOSMIA, SUSCEPTIBILITY TO; HYPOGONADOTROPIC HYPOGONADISM 2 WITHOUT ANOSMIA, SUSCEPTIBILITY TO. Identifiers: Orphanet 478, MedGen C1563720, MONDO:0007844, OMIM 147950. Disease mechanism: loss of function.
Pfeiffer syndrome (ACS5). Also called: ACS V. Identifiers: Orphanet 710, MedGen C0220658, MONDO:0007043, OMIM 101600.
Craniosynostosis syndrome. Also called: Craniosynostosis. Identifiers: Orphanet 1531, MedGen C0010278, MeSH D003398, MONDO:0015469, HP:0001363.
Jackson-Weiss syndrome (JWS). Also called: CRANIOSYNOSTOSIS, MIDFACIAL HYPOPLASIA, AND FOOT ABNORMALITIES. Identifiers: Orphanet 1540, MedGen C0795998, MONDO:0007400, OMIM 123150. Disease mechanism: loss of function.
Osteoglophonic dysplasia (OGD). Also called: Osteoglophonic dwarfism. Identifiers: Orphanet 2645, MedGen C0432283, MONDO:0008150, OMIM 166250.
Hartsfield-Bixler-Demyer syndrome (HRTFDS). Also called: FGFR1-Related Hartsfield Syndrome; Holoprosencephaly, ectrodactyly, and bilateral cleft lip/palate; Hartsfield syndrome. Identifiers: Orphanet 2117, MedGen C1845146, MONDO:0014196, OMIM 615465. Disease mechanism: loss of function.
Encephalocraniocutaneous lipomatosis (ECCL). Identifiers: Orphanet 2396, MedGen C0406612, MONDO:0013074, OMIM 613001.

Allele frequency attached by ClinVar (database versions not stated): gnomAD exomes 0.00005 and 0.00008; ExAC 0.00007; TOPMed 0.00009; gnomAD 0.00007; ESP Exome Variant Server 0.00008.
gnomAD v4.1: 119 of 1,613,686 alleles (0.0074%); highest among the groups gnomAD compares: Non-Finnish European, 0.0094%; no homozygotes.

Submissions (7):

Women's Health and Genetics/Laboratory Corporation of America, LabCorp
Classification: Uncertain significance. Last evaluated: 2026-05-29. Review status: criteria provided, single submitter. Criteria: LabCorp Variant Classification Summary - May 2015. Collection method: clinical testing. Allele origin: germline.
Comment: Variant summary: FGFR1 c.2399C>T (p.Pro800Leu) results in a non-conservative amino acid change in the encoded protein sequence. Algorithms developed to predict the effect of missense changes on protein structure and function are either unavailable or do not agree on the potential impact of this missense change. The variant allele was found at a frequency of 5.3e-05 in 247438 control chromosomes (gnomAD). This frequency is not significantly higher than estimated for disease-causing variants in FGFR1, allowing no conclusion about variant significance. c.2399C>T has been observed in an individual(s) affected with Kallmann syndrome. This report does not provide unequivocal conclusions about association of the variant with disease. To our knowledge, no experimental evidence demonstrating an impact on protein function has been reported. The following publication has been ascertained in the context of this evaluation (PMID: 24031091). ClinVar contains an entry for this variant (Variation ID: 909875). Based on the evidence outlined above, the variant was classified as uncertain significance.

Labcorp Genetics (formerly Invitae), Labcorp
Classification: Uncertain significance for Pfeiffer syndrome; Hypogonadotropic hypogonadism 2 with or without anosmia. Last evaluated: 2024-10-03. Review status: criteria provided, single submitter. Criteria: Invitae Variant Classification Sherloc (09022015). Collection method: clinical testing. Allele origin: germline.
Comment: This sequence change replaces proline, which is neutral and non-polar, with leucine, which is neutral and non-polar, at codon 800 of the FGFR1 protein (p.Pro800Leu). This variant is present in population databases (rs377620009, gnomAD 0.01%), and has an allele count higher than expected for a pathogenic variant. This missense change has been observed in individual(s) with Kallman syndrome (PMID: 24031091). ClinVar contains an entry for this variant (Variation ID: 909875). Invitae Evidence Modeling of protein sequence and biophysical properties (such as structural, functional, and spatial information, amino acid conservation, physicochemical variation, residue mobility, and thermodynamic stability) has been performed for this missense variant. However, the output from this modeling did not meet the statistical confidence thresholds required to predict the impact of this variant on FGFR1 protein function. In summary, the available evidence is currently insufficient to determine the role of this variant in disease. Therefore, it has been classified as a Variant of Uncertain Significance.

Fulgent Genetics
Classification: Likely benign for Pfeiffer syndrome; Jackson-Weiss syndrome; Hypogonadotropic hypogonadism 2 with or without anosmia; Osteoglophonic dysplasia; Trigonocephaly 1; Encephalocraniocutaneous lipomatosis; Hartsfield-Bixler-Demyer syndrome. Last evaluated: 2024-06-15. Review status: criteria provided, single submitter. Criteria: ACMG Guidelines, 2015. Collection method: clinical testing. Allele origin: germline.

Illumina Laboratory Services, Illumina
Classification: Likely benign for Craniosynostosis. Last evaluated: 2017-04-27. Review status: criteria provided, single submitter. Criteria: ICSL Variant Classification Criteria 13 December 2019. Collection method: clinical testing. Allele origin: germline.
Comment: This variant was observed as part of a predisposition screen in an ostensibly healthy population. A literature search was performed for the gene, cDNA change, and amino acid change (where applicable). No publications were found based on this search. Allele frequency data from public databases allowed determination this variant is unlikely to cause disease. Therefore, this variant is classified as likely benign.

Illumina Laboratory Services, Illumina
Classification: Likely benign for Trigonocephaly 1. Last evaluated: 2017-04-27. Review status: criteria provided, single submitter. Criteria: ICSL Variant Classification Criteria 13 December 2019. Collection method: clinical testing. Allele origin: germline.
Comment: the same text as in the submission from Illumina Laboratory Services, Illumina above.

Illumina Laboratory Services, Illumina
Classification: Benign for Osteoglophonic dysplasia. Last evaluated: 2017-04-27. Review status: criteria provided, single submitter. Criteria: ICSL Variant Classification Criteria 13 December 2019. Collection method: clinical testing. Allele origin: germline.
Comment: This variant was observed as part of a predisposition screen in an ostensibly healthy population. A literature search was performed for the gene, cDNA change, and amino acid change (where applicable). No publications were found based on this search. Allele frequency data from public databases was too high to be consistent with this variant causing disease. Therefore, this variant is classified as benign.

Illumina Laboratory Services, Illumina
Classification: Uncertain significance for Hypogonadotropic hypogonadism 2 with or without anosmia. Last evaluated: 2017-04-27. Review status: criteria provided, single submitter. Criteria: ICSL Variant Classification Criteria 13 December 2019. Collection method: clinical testing. Allele origin: germline.

Literature cited by the submitters: PubMed 24031091 (cited by Women's Health and Genetics/Laboratory Corporation of America, LabCorp and Labcorp Genetics (formerly Invitae), Labcorp).

NM_023110.3(FGFR1):c.2399C>T (p.Pro800Leu)

Gene: FGFR1 (fibroblast growth factor receptor 1; minus strand). Cytogenetic location: 8p11.23.
Variant type: single nucleotide variant.
Coding change: c.2399C>T on transcript NM_023110.3 (MANE Select); coding-DNA position 2399, C replaced by T.
Protein change: p.Pro800Leu; replaces proline 800 with leucine.
Molecular consequence: missense variant. On other transcripts: intron variant (3).
Genome position (GRCh38, 1-based): chr8:38,413,698, G>A on the plus strand (C>T on the coding strand, the complement: FGFR1 is on the minus strand). VCF-style: chr8-38413698-G-A. GRCh37 (hg19) VCF-style: chr8-38271216-G-A.
Other names: c.2393C>T, p.Pro798Leu (NM_001174063.2, NM_001174065.2, NM_015850.4); c.2369C>T, p.Pro790Leu (NM_001174064.2); c.2132C>T, p.Pro711Leu (NM_001174066.2, NM_023105.3); c.2492C>T, p.Pro831Leu (NM_001174067.2); c.2120C>T, p.Pro707Leu (NM_001354368.2); c.2126C>T, p.Pro709Leu (NM_023106.3); c.2019+220C>T (NM_001354370.2); c.2286+220C>T (NM_001354367.2); and 1 more; short protein forms P707L, P709L, P711L, P798L, P800L, P831L, P790L.
Identifiers: ClinVar variation 909875 (VCV000909875.11), dbSNP rs377620009, ClinGen allele CA4718083.
Genomic context (GRCh38, chr8:38,413,698, plus strand): 5'-TTGAGTCCGCCATTGGCAAGCTGGGCTGGGTGTCGGGGCAGGCAGGGCTCCTCGGGCAGC[G>A]GCTCATGAGAGAAGACGGAATCCTCCCCTGAGGAGCACGTAGAGCTCCGGGTGTCGGGAA-3'
Protein context (NP_075598.2, residues 790-810): SGEDSVFSHE[Pro800Leu]LPEEPCLPRH